The following is an entry in ClinVar:

NM_001378454.1(ALMS1):c.8666A>G (p.Glu2889Gly)

Gene: ALMS1 (ALMS1 centrosome and basal body associated protein; plus strand). Cytogenetic location: 2p13.1.
Variant type: single nucleotide variant.
Coding change: c.8666A>G on transcript NM_001378454.1 (MANE Select); coding-DNA position 8666, A replaced by G.
Protein change: p.Glu2889Gly; replaces glutamic acid 2889 with glycine.
Molecular consequence: missense variant.
Genome position (GRCh38, 1-based): chr2:73,490,625, A>G. VCF-style: chr2-73490625-A-G. GRCh37 (hg19) VCF-style: chr2-73717752-A-G.
Other names: c.8669A>G, p.Glu2890Gly (NM_015120.4); short protein forms E2889G, E2890G.
Identifiers: ClinVar variation 3343568 (VCV003343568.1).

ClinVar aggregate classification (germline): Uncertain significance (1 of 4 stars; one submission).

Submission:

GeneDx
Classification: Uncertain significance. Last evaluated: 2023-05-18. Review status: criteria provided, single submitter. Criteria: GeneDx Variant Classification Process June 2021. Collection method: clinical testing. Allele origin: germline. Affected: yes.
Comment: Not observed at significant frequency in large population cohorts (gnomAD); In silico analysis supports that this missense variant has a deleterious effect on protein structure/function; Has not been previously published as pathogenic or benign to our knowledge